The following is an entry in ClinVar:

ClinVar aggregate classification (germline): Uncertain significance (1 of 4 stars; one submission).

Conditions:
DRD4-related disorder. Also called: DRD4-related condition.

Allele frequency attached by ClinVar (database versions not stated): TOPMed below 0.00001; gnomAD 0.00001.

Submission:

PreventionGenetics, part of Exact Sciences
Classification: Uncertain significance for DRD4-related condition. Last evaluated: 2023-05-01. Review status: criteria provided, single submitter. Criteria: ACMG Guidelines, 2015. Collection method: clinical testing. Allele origin: germline.
Comment: The DRD4 c.107C>T variant is predicted to result in the amino acid substitution p.Ala36Val. To our knowledge, this variant has not been reported in the literature or in a large population database, indicating this variant is rare. At this time, the clinical significance of this variant is uncertain due to the absence of conclusive functional and genetic evidence.

NM_000797.4(DRD4):c.107C>T (p.Ala36Val)

Gene: DRD4 (dopamine receptor D4; plus strand). Cytogenetic location: 11p15.5.
Variant type: single nucleotide variant.
Coding change: c.107C>T on transcript NM_000797.4 (MANE Select); coding-DNA position 107, C replaced by T.
Protein change: p.Ala36Val; replaces alanine 36 with valine.
Molecular consequence: missense variant.
Genome position (GRCh38, 1-based): chr11:637,411, C>T. VCF-style: chr11-637411-C-T. GRCh37 (hg19) VCF-style: chr11-637411-C-T.
Other names: short protein forms A36V.
Identifiers: ClinVar variation 2636616 (VCV002636616.1), dbSNP rs1858084925, ClinGen allele CA379002482.